The following is an entry in ClinVar:

ClinVar aggregate classification (germline): Uncertain significance (1 of 4 stars; one submission).

Submission:

GeneDx
Classification: Uncertain significance. Last evaluated: 2024-02-23. Review status: criteria provided, single submitter. Criteria: GeneDx Variant Classification Process June 2021. Collection method: clinical testing. Allele origin: germline. Affected: yes.
Comment: Not observed at significant frequency in large population cohorts (gnomAD); In silico analysis supports that this missense variant has a deleterious effect on protein structure/function; Has not been previously published as pathogenic or benign to our knowledge

NM_153252.5(BRWD3):c.592G>A (p.Gly198Ser)

Gene: BRWD3 (bromodomain and WD repeat domain containing 3; minus strand). Cytogenetic location: Xq21.1.
Variant type: single nucleotide variant.
Coding change: c.592G>A on transcript NM_153252.5 (MANE Select); coding-DNA position 592, G replaced by A.
Protein change: p.Gly198Ser; replaces glycine 198 with serine.
Molecular consequence: missense variant.
Genome position (GRCh38, 1-based): chrX:80,744,253, C>T on the plus strand (G>A on the coding strand, the complement: BRWD3 is on the minus strand). VCF-style: chrX-80744253-C-T. GRCh37 (hg19) VCF-style: chrX-79999752-C-T.
Other names: short protein forms G198S.
Identifiers: ClinVar variation 3369748 (VCV003369748.1).